The following is an entry in ClinVar:

NM_000256.3(MYBPC3):c.3212A>T (p.Asp1071Val)

Gene: MYBPC3 (myosin binding protein C3; minus strand). Cytogenetic location: 11p11.2.
Variant type: single nucleotide variant.
Coding change: c.3212A>T on transcript NM_000256.3 (MANE Select); coding-DNA position 3212, A replaced by T.
Protein change: p.Asp1071Val; replaces aspartic acid 1071 with valine.
Molecular consequence: missense variant.
Genome position (GRCh38, 1-based): chr11:47,333,312, T>A on the plus strand (A>T on the coding strand, the complement: MYBPC3 is on the minus strand). VCF-style: chr11-47333312-T-A. GRCh37 (hg19) VCF-style: chr11-47354863-T-A.
Other names: short protein forms D1071V.
Identifiers: ClinVar variation 927199 (VCV000927199.11), dbSNP rs1445937499, ClinGen allele CA380314473.

ClinVar aggregate classification (germline): Uncertain significance. Review status: criteria provided, multiple submitters, no conflicts (2 of 4 stars). 5 submissions from 5 submitters: Uncertain significance (5). Last evaluated 2025-12-01.

Conditions:
Cardiomyopathy (CMYO). Also called: Cardiomyopathies. Identifiers: Orphanet 167848, MedGen C0878544, MONDO:0004994, HP:0001638. Inheritance: Various modes of inheritance.
Cardiovascular phenotype. Identifiers: MedGen CN230736.
Hypertrophic cardiomyopathy 4. Also called: Familial hypertrophic cardiomyopathy 4. Identifiers: MedGen C1861862, MONDO:0007268, OMIM 115197.
Hypertrophic cardiomyopathy. Also called: HYPERTROPHIC MYOCARDIOPATHY. Identifiers: Orphanet 217569, MedGen C0007194, MeSH D002312, MONDO:0005045, HP:0001639.

Allele frequency attached by ClinVar (database versions not stated): gnomAD exomes below 0.00001.
gnomAD v4.1: 2 of 1,586,428 alleles (0.00013%); highest among the groups gnomAD compares: Non-Finnish European, 0.00017%; no homozygotes.

Submissions (5):

Ambry Genetics
Classification: Uncertain significance for Cardiovascular phenotype. Last evaluated: 2025-12-01. Review status: criteria provided, single submitter. Criteria: Ambry Variant Classification Scheme 2023. Collection method: clinical testing. Allele origin: germline.
Comment: The p.D1071V variant (also known as c.3212A>T), located in coding exon 30 of the MYBPC3 gene, results from an A to T substitution at nucleotide position 3212. The aspartic acid at codon 1071 is replaced by valine, an amino acid with highly dissimilar properties. This amino acid position is conserved. In addition, this alteration is predicted to be tolerated by in silico analysis. Based on the available evidence, the clinical significance of this variant remains unclear.

Color Diagnostics, LLC DBA Color Health
Classification: Uncertain significance for Cardiomyopathy. Last evaluated: 2024-03-06. Review status: criteria provided, single submitter. Criteria: ACMG Guidelines, 2015. Collection method: clinical testing. Allele origin: germline.
Comment: This missense variant replaces aspartic acid with valine at codon 1071 of the MYBPC3 protein. Computational prediction suggests that this variant may not impact protein structure and function (internally defined REVEL score threshold <= 0.5, PMID: 27666373). To our knowledge, functional studies have not been reported for this variant. This variant has not been reported in individuals affected with MYBPC3-related disorders in the literature. This variant has been identified in 1/207886 chromosomes in the general population by the Genome Aggregation Database (gnomAD). The available evidence is insufficient to determine the role of this variant in disease conclusively. Therefore, this variant is classified as a Variant of Uncertain Significance.

All of Us Research Program, National Institutes of Health
Classification: Uncertain significance for Hypertrophic cardiomyopathy. Last evaluated: 2023-05-04. Review status: criteria provided, single submitter. Criteria: ACMG Guidelines, 2015. Collection method: clinical testing. Allele origin: germline. Inheritance: Autosomal dominant inheritance. Observed: 1 variant allele, 1 heterozygote.
Comment: This missense variant replaces aspartic acid with valine at codon 1071 of the MYBPC3 protein. Computational prediction tools and conservation analyses are inconclusive regarding the impact of this variant on the protein function. Computational splicing tools suggest that this variant may not impact RNA splicing. To our knowledge, functional assays have not been performed for this variant nor has this variant been reported in individuals affected with cardiovascular disorders in the literature. This variant has been identified in 1/207886 chromosomes in the general population by the Genome Aggregation Database (gnomAD). Available evidence is insufficient to determine the role of this variant in disease conclusively. Therefore, this variant is classified as a Variant of Uncertain Significance.

This study involves interpretation of variants in research participants for the purpose of population health screening. Participant phenotype was not available at the time of variant classification. Additional details can be found in publication PMID: 35346344, PMCID: PMC8962531

Labcorp Genetics (formerly Invitae), Labcorp
Classification: Uncertain significance for Hypertrophic cardiomyopathy. Last evaluated: 2023-02-17. Review status: criteria provided, single submitter. Criteria: Invitae Variant Classification Sherloc (09022015). Collection method: clinical testing. Allele origin: germline.
Comment: This sequence change replaces aspartic acid, which is acidic and polar, with valine, which is neutral and non-polar, at codon 1071 of the MYBPC3 protein (p.Asp1071Val). The frequency data for this variant in the population databases is considered unreliable, as metrics indicate poor data quality at this position in the gnomAD database. This variant has not been reported in the literature in individuals affected with MYBPC3-related conditions. ClinVar contains an entry for this variant (Variation ID: 927199). An algorithm developed to predict the effect of missense changes on protein structure and function (PolyPhen-2) suggests that this variant is likely to be tolerated. In summary, the available evidence is currently insufficient to determine the role of this variant in disease. Therefore, it has been classified as a Variant of Uncertain Significance.

Victorian Clinical Genetics Services, Murdoch Childrens Research Institute
Classification: Uncertain significance for Hypertrophic cardiomyopathy 4. Last evaluated: 2020-10-19. Review status: criteria provided, single submitter. Criteria: ACMG Guidelines, 2015. Collection method: clinical testing. Allele origin: germline. Affected: yes.
Comment: Based on the classification scheme VCGS_Germline_v1.3.2, this variant is classified as VUS - 3B. Following criteria are met: 0102 - Loss of function is a known mechanism of disease in this gene and is associated with cardiomyopathy, hypertrophic, 4. (I) 0108 - This gene is associated with both recessive and dominant disease. Heterozygous variants are frequently reported in adult onset conditions, however recessive inheritance results in a more severe early onset phenotype (OMIM). (I) 0200 - Variant is predicted to result in a missense amino acid change from aspartic acid to valine. (I) 0251 - This variant is heterozygous. (I) 0302 - Variant is present in gnomAD (v2) <0.001 for a dominant condition (1 heterozygote, 0 homozygotes). (SP) 0502 - Missense variant with conflicting in silico predictions and uninformative conservation. (I) 0600 - Variant is located in the annotated fibronectin type 3 domain (NCBI). (I) 0705 - No comparable missense variants have previous evidence for pathogenicity. (I) 0809 - Previous evidence of pathogenicity for this variant is inconclusive. This variant has been previously reported as a VUS (ClinVar). (I) 0905 - No published segregation evidence has been identified for this variant. (I) 1007 - No published functional evidence has been identified for this variant. (I) 1208 - Inheritance information for this variant is not currently available in this individual. (I) Legend: (SP) - Supporting pathogenic, (I) - Information, (SB) - Supporting benign